The following is an entry in ClinVar:

NM_001039141.3(TRIOBP):c.4932C>T (p.Pro1644=)

Gene: TRIOBP (TRIO and F-actin binding protein; plus strand). Cytogenetic location: 22q13.1.
Variant type: single nucleotide variant.
Coding change: c.4932C>T on transcript NM_001039141.3 (MANE Select); coding-DNA position 4932, C replaced by T.
Protein change: p.Pro1644=; no amino-acid change (proline 1644 retained).
Molecular consequence: synonymous variant.
Genome position (GRCh38, 1-based): chr22:37,735,268, C>T. VCF-style: chr22-37735268-C-T. GRCh37 (hg19) VCF-style: chr22-38131275-C-T.
Identifiers: ClinVar variation 504690 (VCV000504690.12), dbSNP rs192500421, ClinGen allele CA10224473.
Genomic context (GRCh38, chr22:37,735,268, plus strand): 5'-GGAGTCACACAGCCAGCCAGAAGGCTGGGCCGAGGCCACCCCAGTCAATGGACACAGCCC[C>T]GCACTGCAGTCCCAGAGCCCGGTCCAGCTGCCCAGCCCTGCCTGCACCTCCACCCAGTGG-3'
Protein context (NP_001034230.1, residues 1634-1654): AEATPVNGHS[Pro1644=]ALQSQSPVQL

ClinVar aggregate classification (germline): Likely benign. Review status: criteria provided, multiple submitters, no conflicts (2 of 4 stars). 4 submissions from 4 submitters: Likely benign (4). Last evaluated 2025-11-03.

Conditions:
Autosomal recessive nonsyndromic hearing loss 28. Identifiers: Orphanet 90636, MedGen C1853276, MONDO:0012355, OMIM 609823.

Allele frequency attached by ClinVar (database versions not stated): ExAC 0.00008; ESP Exome Variant Server 0.00008; gnomAD exomes 0.00008 and 0.00009; TOPMed 0.00009; 1000 Genomes Project 30x 0.00016; gnomAD 0.00016; 1000 Genomes Project 0.00020.
gnomAD v4.1: 151 of 1,609,316 alleles (0.0094%); highest among the groups gnomAD compares: Middle Eastern, 0.017%; no homozygotes.

Submissions (4):

Labcorp Genetics (formerly Invitae), Labcorp
Classification: Likely benign. Last evaluated: 2025-11-03. Review status: criteria provided, single submitter. Criteria: Invitae Variant Classification Sherloc (09022015). Collection method: clinical testing. Allele origin: germline.

Fulgent Genetics
Classification: Likely benign for Autosomal recessive nonsyndromic hearing loss 28. Last evaluated: 2021-08-06. Review status: criteria provided, single submitter. Criteria: ACMG Guidelines, 2015. Collection method: clinical testing. Allele origin: unknown.

GeneDx
Classification: Likely benign. Last evaluated: 2020-09-11. Review status: criteria provided, single submitter. Criteria: GeneDx Variant Classification Process June 2021. Collection method: clinical testing. Allele origin: germline. Affected: yes.

Laboratory for Molecular Medicine, Mass General Brigham Personalized Medicine
Classification: Likely benign. Last evaluated: 2017-03-07. Review status: criteria provided, single submitter. Criteria: LMM Criteria. Collection method: clinical testing. Allele origin: germline. Observed: 1 variant allele.
Comment: p.Pro1644Pro in exon 09 of TRIOBP: This variant is not expected to have clinical significance because it does not alter an amino acid residue, is not located wi thin the splice consensus sequence, and has been identified in 9/65198 European chromosomes by the Exome Aggregation Consortium (ExAC; dbSNP rs192500421).